The following is an entry in ClinVar:

ClinVar aggregate classification (germline): Uncertain significance (1 of 4 stars; one submission).

Submission:

Labcorp Genetics (formerly Invitae), Labcorp
Classification: Uncertain significance. Last evaluated: 2025-12-03. Review status: criteria provided, single submitter. Criteria: Invitae Variant Classification Sherloc (09022015). Collection method: clinical testing. Allele origin: germline.
Comment: This sequence change replaces leucine, which is neutral and non-polar, with phenylalanine, which is neutral and non-polar, at codon 218 of the TNFRSF11A protein (p.Leu218Phe). This variant is present in population databases (no rsID available, gnomAD 0.0009%). This variant has not been reported in the literature in individuals affected with TNFRSF11A-related conditions. An algorithm developed to predict the effect of missense changes on protein structure and function outputs the following: PolyPhen-2: "Benign". The phenylalanine amino acid residue is found in multiple mammalian species, which suggests that this missense change does not adversely affect protein function. In summary, the available evidence is currently insufficient to determine the role of this variant in disease. Therefore, it has been classified as a Variant of Uncertain Significance.

NM_003839.4(TNFRSF11A):c.652C>T (p.Leu218Phe)

Gene: TNFRSF11A (TNF receptor superfamily member 11a; plus strand). Cytogenetic location: 18q21.33.
Variant type: single nucleotide variant.
Coding change: c.652C>T on transcript NM_003839.4 (MANE Select); coding-DNA position 652, C replaced by T.
Protein change: p.Leu218Phe; replaces leucine 218 with phenylalanine.
Molecular consequence: missense variant. On other transcripts: intron variant (1).
Genome position (GRCh38, 1-based): chr18:62,361,715, C>T. VCF-style: chr18-62361715-C-T. GRCh37 (hg19) VCF-style: chr18-60028948-C-T.
Other names: c.652C>T, p.Leu218Phe (NM_001270949.2, NM_001270950.2); c.610C>T, p.Leu204Phe (NM_001278268.2); c.616+1666C>T (NM_001270951.2); short protein forms L204F, L218F.
Identifiers: ClinVar variation 4745552 (VCV004745552.1).
Genomic context (GRCh38, chr18:62,361,715, plus strand): 5'-TATTTCTCATTTTCTTCCAATACAGAACCCCATGTTTACTTGCCCGGTTTAATAATTCTG[C>T]TTCTCTTCGCGTCTGTGGCCCTGGTGGCTGCCATCATCTTTGGCGTTTGCTATAGGAAAA-3'
Protein context (NP_003830.1, residues 208-228): HVYLPGLIIL[Leu218Phe]LFASVALVAA